The following is an entry in ClinVar:

ClinVar aggregate classification (germline): Pathogenic. Review status: criteria provided, single submitter (1 of 4 stars). 2 submissions from 2 submitters: Pathogenic (1). 1 of the submissions does not count toward it. Last evaluated 2026-01-28.

Conditions:
Maple syrup urine disease type 1A (MSUD1A). Also called: MSUD type 1A. Identifiers: MedGen C1855369, MONDO:0023691, OMIM 248600.
Maple syrup urine disease (MSUD). Identifiers: Orphanet 511, MedGen C0024776, MeSH D008375, MONDO:0009563. Disease mechanism: loss of function.

Submissions (2):

Labcorp Genetics (formerly Invitae), Labcorp
Classification: Pathogenic for Maple syrup urine disease. Last evaluated: 2026-01-28. Review status: criteria provided, single submitter. Criteria: Invitae Variant Classification Sherloc (09022015). Collection method: clinical testing. Allele origin: germline.
Comment: This sequence change creates a premature translational stop signal (p.Phe94Cysfs*8) in the BCKDHB gene. It is expected to result in an absent or disrupted protein product. Loss-of-function variants in BCKDHB are known to be pathogenic (PMID: 16786533, 22593002). This variant is present in population databases (no rsID available, gnomAD 0.0009%). This variant has not been reported in the literature in individuals affected with BCKDHB-related conditions. ClinVar contains an entry for this variant (Variation ID: 550081). For these reasons, this variant has been classified as Pathogenic.

Counsyl
Classification: Likely pathogenic for Maple syrup urine disease type 1A. Last evaluated: 2016-12-28. Review status: no assertion criteria provided. Collection method: clinical testing. Allele origin: unknown. Not counted in ClinVar's aggregate classification.

Literature cited by the submitters: PubMed 16786533 (cited by Labcorp Genetics (formerly Invitae), Labcorp); PubMed 22593002 (cited by Labcorp Genetics (formerly Invitae), Labcorp).

NM_183050.4(BCKDHB):c.281_291del (p.Phe94fs)

Gene: BCKDHB (branched chain keto acid dehydrogenase E1 subunit beta; plus strand). Cytogenetic location: 6q14.1.
Variant type: Deletion.
Coding change: c.281_291del on transcript NM_183050.4 (MANE Select); coding-DNA positions 281 to 291, 11 bases deleted (TTGGTGAAGAT).
Protein change: p.Phe94fs; shifts the reading frame from phenylalanine 94.
Molecular consequence: frameshift variant. On other transcripts: non-coding transcript variant (1).
Genome position (GRCh38, 1-based): chr6:80,129,167-80,129,177, TTGGTGAAGAT deleted; deleting any 11 consecutive bases within chr6:80,129,165-80,129,177 gives the same sequence; the c. name uses the placement nearest the transcript's 3' end. VCF-style (leftmost placement, unchanged base first): chr6-80129164-TATTTGGTGAAG-T. GRCh37 (hg19) VCF-style: chr6-80838881-TATTTGGTGAAG-T.
Other names: c.281_291del, p.Phe94fs (NM_000056.5); c.71_81del, p.Phe24fs (NM_001318975.1); short protein forms F94fs, F24fs.
Identifiers: ClinVar variation 550081 (VCV000550081.9), dbSNP rs1380402024, ClinGen allele CA568400778.